The following is an entry in ClinVar:

ClinVar aggregate classification (germline): Uncertain significance. Review status: criteria provided, multiple submitters, no conflicts (2 of 4 stars). 3 submissions from 3 submitters: Uncertain significance (3). Last evaluated 2022-05-16.

Conditions:
Brown-Vialetto-van Laere syndrome 1. Also called: BROWN-VIALETTO-VAN LAERE SYNDROME 1, MILD; BULBAR PALSY, PROGRESSIVE, WITH SENSORINEURAL DEAFNESS; PONTOBULBAR PALSY WITH DEAFNESS. Identifiers: Orphanet 572550, Orphanet 97229, MedGen C0796274, MONDO:0024537, OMIM 211530.
Inborn genetic diseases. Identifiers: MedGen C0950123, MeSH D030342.

Allele frequency attached by ClinVar (database versions not stated): gnomAD exomes 0.00001.
gnomAD v4.1: 19 of 1,614,184 alleles (0.0012%); highest among the groups gnomAD compares: Non-Finnish European, 0.0016%; no homozygotes.

Submissions (3):

Ambry Genetics
Classification: Uncertain significance for Inborn genetic diseases. Last evaluated: 2022-05-16. Review status: criteria provided, single submitter. Criteria: Ambry Variant Classification Scheme 2023. Collection method: clinical testing. Allele origin: germline.
Comment: The p.H299Y variant (also known as c.895C>T), located in coding exon 2 of the SLC52A3 gene, results from a C to T substitution at nucleotide position 895. The histidine at codon 299 is replaced by tyrosine, an amino acid with similar properties. This amino acid position is conserved. In addition, this alteration is predicted to be tolerated by in silico analysis. Since supporting evidence is limited at this time, the clinical significance of this alteration remains unclear.

Labcorp Genetics (formerly Invitae), Labcorp
Classification: Uncertain significance for Brown-Vialetto-van Laere syndrome 1. Last evaluated: 2021-08-28. Review status: criteria provided, single submitter. Criteria: Invitae Variant Classification Sherloc (09022015). Collection method: clinical testing. Allele origin: germline.
Comment: This sequence change replaces histidine with tyrosine at codon 299 of the SLC52A3 protein (p.His299Tyr). The histidine residue is weakly conserved and there is a moderate physicochemical difference between histidine and tyrosine. This variant is not present in population databases (ExAC no frequency). This variant has not been reported in the literature in individuals affected with SLC52A3-related conditions. Algorithms developed to predict the effect of missense changes on protein structure and function (SIFT, PolyPhen-2, Align-GVGD) all suggest that this variant is likely to be tolerated. In summary, the available evidence is currently insufficient to determine the role of this variant in disease. Therefore, it has been classified as a Variant of Uncertain Significance.

GeneDx
Classification: Uncertain significance. Last evaluated: 2019-10-24. Review status: criteria provided, single submitter. Criteria: GeneDx Variant Classification Process June 2021. Collection method: clinical testing. Allele origin: germline. Affected: yes.
Comment: Not observed in large population cohorts (Lek et al., 2016); In silico analysis, which includes protein predictors and evolutionary conservation, supports that this variant does not alter protein structure/function; Has not been previously published as pathogenic or benign to our knowledge

NM_033409.4(SLC52A3):c.895C>T (p.His299Tyr)

Gene: SLC52A3 (solute carrier family 52 member 3; minus strand). Cytogenetic location: 20p13.
Variant type: single nucleotide variant.
Coding change: c.895C>T on transcript NM_033409.4 (MANE Select); coding-DNA position 895, C replaced by T.
Protein change: p.His299Tyr; replaces histidine 299 with tyrosine.
Molecular consequence: missense variant.
Genome position (GRCh38, 1-based): chr20:763,676, G>A on the plus strand (C>T on the coding strand, the complement: SLC52A3 is on the minus strand). VCF-style: chr20-763676-G-A. GRCh37 (hg19) VCF-style: chr20-744320-G-A.
Other names: c.895C>T, p.His299Tyr (NM_001370085.1, NM_001370086.1); short protein forms H299Y.
Identifiers: ClinVar variation 855566 (VCV000855566.11), dbSNP rs1986566985, ClinGen allele CA407962874.
Genomic context (GRCh38, chr20:763,676, plus strand): 5'-GCAGCATGCCGTTGGTGAGCGCGTTGACGAAGGCCACCAGGGTATAGATGAAGGCCAGGT[G>A]CGCCGGGCAGCAGGGGGCTGCTTTCTCCTCTAGATACCCCTGGCCCTGGCTGCTGTCCAC-3'
Protein context (NP_212134.3, residues 289-309): EEKAAPCCPA[His299Tyr]LAFIYTLVAF